The following is an entry in ClinVar:

NM_005476.7(GNE):c.1705C>A (p.His569Asn)

Gene: GNE (glucosamine (UDP-N-acetyl)-2-epimerase/N-acetylmannosamine kinase; minus strand). Cytogenetic location: 9p13.3.
Variant type: single nucleotide variant.
Coding change: c.1705C>A on transcript NM_005476.7 (MANE Select); coding-DNA position 1705, C replaced by A.
Protein change: p.His569Asn; replaces histidine 569 with asparagine.
Molecular consequence: missense variant.
Genome position (GRCh38, 1-based): chr9:36,219,949, G>T on the plus strand (C>A on the coding strand, the complement: GNE is on the minus strand). VCF-style: chr9-36219949-G-T. GRCh37 (hg19) VCF-style: chr9-36219946-G-T.
Other names: c.1798C>A, p.His600Asn (NM_001128227.3); c.1483C>A, p.His495Asn (NM_001190383.3); c.1375C>A, p.His459Asn (NM_001190384.3); c.1528C>A, p.His510Asn (NM_001190388.2, NM_001374798.1); c.1552C>A, p.His518Asn (NM_001374797.1); short protein forms H569N, H459N, H510N, H518N, H600N, H495N.
Identifiers: ClinVar variation 4794003 (VCV004794003.1).

ClinVar aggregate classification (germline): Uncertain significance (1 of 4 stars; one submission).

Conditions:
Sialuria. Also called: SIALURIA, FRENCH TYPE; Sialic Acid Storage Disease. Identifiers: Orphanet 3166, MedGen C0342853, MONDO:0010028, OMIM 269921.
GNE myopathy (NM). Also called: NONAKA DISTAL MYOPATHY; INCLUSION BODY MYOPATHY, HEREDITARY, AUTOSOMAL RECESSIVE; INCLUSION BODY MYOPATHY 2, AUTOSOMAL RECESSIVE; MYOPATHY, DISTAL, WITH OR WITHOUT RIMMED VACUOLES; Inclusion body myopathy autosomal recessive; Inclusion body myopathy quadriceps sparing. Identifiers: Orphanet 602, MedGen C1853926, MONDO:0011603, OMIM 605820.

gnomAD v4.1: 1 of 1,613,964 alleles (0.000062%); highest among the groups gnomAD compares: Admixed American, 0.0017%; no homozygotes.

Submission:

Labcorp Genetics (formerly Invitae), Labcorp
Classification: Uncertain significance for Sialuria; GNE myopathy. Last evaluated: 2025-08-31. Review status: criteria provided, single submitter. Criteria: Invitae Variant Classification Sherloc (09022015). Collection method: clinical testing. Allele origin: germline.
Comment: This sequence change replaces histidine, which is basic and polar, with asparagine, which is neutral and polar, at codon 600 of the GNE protein (p.His600Asn). This variant is present in population databases (no rsID available, gnomAD 0.1%). This variant has not been reported in the literature in individuals affected with GNE-related conditions. Invitae Evidence Modeling of protein sequence and biophysical properties (such as structural, functional, and spatial information, amino acid conservation, physicochemical variation, residue mobility, and thermodynamic stability) has been performed for this missense variant. However, the output from this modeling did not meet the statistical confidence thresholds required to predict the impact of this variant on GNE protein function. In summary, the available evidence is currently insufficient to determine the role of this variant in disease. Therefore, it has been classified as a Variant of Uncertain Significance.